The following is an entry in ClinVar:

NM_001963.6(EGF):c.2525T>C (p.Met842Thr)

Gene: EGF (epidermal growth factor; plus strand). Cytogenetic location: 4q25.
Variant type: single nucleotide variant.
Coding change: c.2525T>C on transcript NM_001963.6 (MANE Select); coding-DNA position 2525, T replaced by C.
Protein change: p.Met842Thr; replaces methionine 842 with threonine.
Molecular consequence: missense variant. On other transcripts: intron variant (1).
Genome position (GRCh38, 1-based): chr4:109,987,777, T>C. VCF-style: chr4-109987777-T-C. GRCh37 (hg19) VCF-style: chr4-110908933-T-C.
Other names: c.2525T>C, p.Met842Thr (NM_001178130.3); c.2399T>C, p.Met800Thr (NM_001178131.3); c.2365+4236T>C (NM_001357021.2); short protein forms M842T, M800T.
Identifiers: ClinVar variation 347248 (VCV000347248.16), dbSNP rs11569046, ClinGen allele CA3043994.

ClinVar aggregate classification (germline): Benign. Review status: criteria provided, multiple submitters, no conflicts (2 of 4 stars). 5 submissions from 5 submitters: Benign (5). Last evaluated 2026-01-27.

Conditions:
Renal hypomagnesemia 4. Also called: HYPOMAGNESEMIA, RENAL, NORMOCALCIURIC. Identifiers: Orphanet 34527, MedGen C2673648, MONDO:0012717, OMIM 611718.

Allele frequency attached by ClinVar (database versions not stated): gnomAD exomes 0.00372 and 0.00965; ExAC 0.01163; gnomAD 0.03254 and 0.03492; 1000 Genomes Project 0.03315; 1000 Genomes Project 30x 0.03529; TOPMed 0.03667; ESP Exome Variant Server 0.03675.
gnomAD v4.1: 10,690 of 1,613,904 alleles (0.66%); highest among the groups gnomAD compares: African/African-American, 11%; 479 homozygotes.

Submissions (5):

Labcorp Genetics (formerly Invitae), Labcorp
Classification: Benign. Last evaluated: 2026-01-27. Review status: criteria provided, single submitter. Criteria: Invitae Variant Classification Sherloc (09022015). Collection method: clinical testing. Allele origin: germline.

Mayo Clinic Laboratories, Mayo Clinic
Classification: Benign. Last evaluated: 2023-04-10. Review status: criteria provided, single submitter. Criteria: ACMG Guidelines, 2015. Collection method: clinical testing. Allele origin: germline. Observed: 3 variant alleles.

GeneDx
Classification: Benign. Last evaluated: 2020-04-02. Review status: criteria provided, single submitter. Criteria: GeneDx Variant Classification Process June 2021. Collection method: clinical testing. Allele origin: germline. Affected: yes.

Illumina Laboratory Services, Illumina
Classification: Benign for Renal hypomagnesemia 4. Last evaluated: 2018-01-13. Review status: criteria provided, single submitter. Criteria: ICSL Variant Classification Criteria 13 December 2019. Collection method: clinical testing. Allele origin: germline.
Comment: This variant was observed in the ICSL laboratory as part of a predisposition screen in an ostensibly healthy population. It had not been previously curated by ICSL or reported in the Human Gene Mutation Database (HGMD: prior to June 1st, 2018), and was therefore a candidate for classification through an automated scoring system. Utilizing variant allele frequency, disease prevalence and penetrance estimates, and inheritance mode, an automated score was calculated to assess if this variant is too frequent to cause the disease. Based on the score and internal cut-off values, a variant classified as benign is not then subjected to further curation. The score for this variant resulted in a classification of benign for this disease.

Breakthrough Genomics
Classification: Benign. Review status: criteria provided, single submitter. Criteria: ACMG Guidelines, 2015. Collection method: not provided. Allele origin: germline. Inheritance: Autosomal recessive inheritance. Affected: yes.